The following is an entry in ClinVar:

ClinVar aggregate classification (germline): Likely pathogenic. Review status: criteria provided, multiple submitters, no conflicts (2 of 4 stars). 7 submissions from 7 submitters: Likely pathogenic (7). Last evaluated 2025-08-21.

Conditions:
Mucopolysaccharidosis type 6 (MPS6). Also called: N-ACETYLGALACTOSAMINE-4-SULFATASE DEFICIENCY; MPS 6; Maroteaux Lamy syndrome; MPS VI; ARSB DEFICIENCY; ARYLSULFATASE B DEFICIENCY. Identifiers: Orphanet 583, MedGen C0026709, MONDO:0009661, OMIM 253200.

gnomAD v4.1: 14 of 1,614,160 alleles (0.00087%); highest among the groups gnomAD compares: Non-Finnish European, 0.0012%; no homozygotes.

Submissions (7):

Natera, Inc.
Classification: Likely pathogenic for Mucopolysaccharidosis type VI. Last evaluated: 2025-08-21. Review status: criteria provided, single submitter. Criteria: Natera Variant Classification Schema (03/2026). Collection method: clinical testing. Allele origin: germline.
Comment: The c.936G>T variant in ARSB is a missense variant predicted to cause substitution of tryptophan to cysteine at amino acid 312. This variant is rare in the general population with a frequency below the threshold expected for the associated phenotype(s). This variant has been observed in one or more individuals affected with the associated recessive disease, as either homozygous or compound heterozygous with a second variant (PMID: 14974081). Functional studies show that this variant may disrupt protein function (PMID: 14974081). Computational prediction algorithms indicate this variant is likely to affect gene or protein function. Given the available evidence, this variant is classified as Likely Pathogenic.

Women's Health and Genetics/Laboratory Corporation of America, LabCorp
Classification: Likely pathogenic for Mucopolysaccharidosis type 6. Last evaluated: 2025-06-05. Review status: criteria provided, single submitter. Criteria: LabCorp Variant Classification Summary - May 2015. Collection method: clinical testing. Allele origin: germline.
Comment: Variant summary: ARSB c.936G>T (p.Trp312Cys) results in a non-conservative amino acid change in the encoded protein sequence. Algorithms developed to predict the effect of missense changes on protein structure and function all suggest that this variant is likely to be disruptive. The variant was absent in 251338 control chromosomes. c.936G>T has been observed in individual(s) affected with Mucopolysaccharidosis Type VI (Karageorgos_2004). At least one publication reports experimental evidence evaluating an impact on protein function showing low levels of ARSB protein with very little activity (Karageorgos_2004). The following publication has been ascertained in the context of this evaluation (PMID: 14974081). ClinVar contains an entry for this variant (Variation ID: 549491). Based on the evidence outlined above, the variant was classified as likely pathogenic.

Baylor Genetics
Classification: Likely pathogenic for Mucopolysaccharidosis type 6. Last evaluated: 2023-03-06. Review status: criteria provided, single submitter. Criteria: ACMG Guidelines, 2015. Collection method: clinical testing. Allele origin: unknown.

3billion
Classification: Likely pathogenic for Mucopolysaccharidosis type 6. Last evaluated: 2023-02-23. Review status: criteria provided, single submitter. Criteria: ACMG Guidelines, 2015. Collection method: clinical testing. Allele origin: unknown. Affected: yes.
Comment: The variant is not observed in the gnomAD v2.1.1 dataset. In silico tool predictions suggest damaging effect of the variant on gene or gene product (REVEL: 0.97; 3Cnet: 0.99). Same nucleotide change resulting in same amino acid change has been previously reported as pathogenic/likely pathogenic with strong evidence (ClinVar ID: VCV000549491). A different missense change at the same codon (p.Trp312Arg) has been reported to be associated with ARSB-related disorder (PMID: 17458871). Therefore, this variant is classified as Likely pathogenic according to the recommendation of ACMG/AMP guideline.

Labcorp Genetics (formerly Invitae), Labcorp
Classification: Likely pathogenic for Mucopolysaccharidosis type 6. Last evaluated: 2022-09-28. Review status: criteria provided, single submitter. Criteria: Invitae Variant Classification Sherloc (09022015). Collection method: clinical testing. Allele origin: germline.
Comment: This sequence change replaces tryptophan, which is neutral and slightly polar, with cysteine, which is neutral and slightly polar, at codon 312 of the ARSB protein (p.Trp312Cys). This variant is not present in population databases (gnomAD no frequency). In summary, the currently available evidence indicates that the variant is pathogenic, but additional data are needed to prove that conclusively. Therefore, this variant has been classified as Likely Pathogenic. Experimental studies have shown that this missense change affects ARSB function (PMID: 14974081). Advanced modeling of protein sequence and biophysical properties (such as structural, functional, and spatial information, amino acid conservation, physicochemical variation, residue mobility, and thermodynamic stability) performed at Invitae indicates that this missense variant is expected to disrupt ARSB protein function. ClinVar contains an entry for this variant (Variation ID: 549491). This missense change has been observed in individual(s) with mucopolysaccharidosis type VI (PMID: 14974081).

Molecular Diagnostics Laboratory, M Health Fairview: University of Minnesota
Classification: Likely pathogenic for Mucopolysaccharidosis type 6. Last evaluated: 2018-10-03. Review status: criteria provided, single submitter. Criteria: ACMG Guidelines, 2015. Collection method: clinical testing. Allele origin: germline. Affected: yes. Observed: 1 variant allele.

SIB Swiss Institute of Bioinformatics
Classification: Likely pathogenic for Mucopolysaccharidosis type 6. Last evaluated: 2018-04-16. Review status: criteria provided, single submitter. Criteria: ACMG Guidelines, 2015. Collection method: curation. Allele origin: germline.
Comment: This variant is interpreted as a Likely Pathogenic, for Mucopolysaccharidosis type VI, Autosomal Recessive inheritance. The following ACMG Tag(s) were applied: PM2 => Absent from controls (or at extremely low frequency if recessive) in Exome Sequencing Project, 1000 Genomes Project, or Exome Aggregation Consortium. PP3 => Multiple lines of computational evidence support a deleterious effect on the gene or gene product. PS3 => Well-established functional studies show a deleterious effect (PMID:14974081).

Literature cited by the submitters: PubMed 14974081 (cited by 5 submitters); PubMed 17458871 (cited by 3billion).

NM_000046.5(ARSB):c.936G>T (p.Trp312Cys)

Gene: ARSB (arylsulfatase B; minus strand). Cytogenetic location: 5q14.1.
Variant type: single nucleotide variant.
Coding change: c.936G>T on transcript NM_000046.5 (MANE Select); coding-DNA position 936, G replaced by T.
Protein change: p.Trp312Cys; replaces tryptophan 312 with cysteine.
Molecular consequence: missense variant.
Genome position (GRCh38, 1-based): chr5:78,885,790, C>A on the plus strand (G>T on the coding strand, the complement: ARSB is on the minus strand). VCF-style: chr5-78885790-C-A. GRCh37 (hg19) VCF-style: chr5-78181613-C-A.
Other names: NM_000046.3:c.936G>T(p.Trp312Cys); NM_198709.2:c.936G>T(p.Trp312Cys); c.936G>T, p.Trp312Cys (NM_198709.3); c.936G>T (NM_000046.4); short protein forms W312C.
Identifiers: ClinVar variation 549491 (VCV000549491.10), dbSNP rs759384989, ClinGen allele CA360343416.